The following is an entry in ClinVar:

NM_001034853.2(RPGR):c.1880C>A (p.Ser627Ter)

Gene: RPGR (retinitis pigmentosa GTPase regulator; minus strand). Cytogenetic location: Xp11.4.
Variant type: single nucleotide variant.
Coding change: c.1880C>A on transcript NM_001034853.2 (MANE Select); coding-DNA position 1880, C replaced by A.
Protein change: p.Ser627Ter; replaces serine 627 with a stop codon.
Molecular consequence: nonsense. On other transcripts: non-coding transcript variant (2), intron variant (5).
Genome position (GRCh38, 1-based): chrX:38,287,119, G>T on the plus strand (C>A on the coding strand, the complement: RPGR is on the minus strand). VCF-style: chrX-38287119-G-T. GRCh37 (hg19) VCF-style: chrX-38146372-G-T.
Other names: c.1880C>A, p.Ser627Ter (NM_000328.3); c.1877C>A, p.Ser626Ter (NM_001367245.1); c.1694C>A, p.Ser565Ter (NM_001367246.1); c.1569+3840C>A (NM_001367249.1, NM_001367250.1); c.1386+3840C>A (NM_001367251.1); c.1572+3840C>A (NM_001367247.1); c.1602+3840C>A (NM_001367248.1); short protein forms S565*, S626*, S627*.
Identifiers: ClinVar variation 1065656 (VCV001065656.1), dbSNP rs2147200625, ClinGen allele CA412732441.

ClinVar aggregate classification (germline): Likely pathogenic (1 of 4 stars; one submission).

Conditions:
Retinitis pigmentosa 3. Also called: CHOROIDORETINAL DEGENERATION WITH RETINAL REFLEX IN HETEROZYGOUS WOMEN. Identifiers: Orphanet 791, MedGen C1845667, MONDO:0010227, OMIM 300029.

Submission:

Ocular Genomics Institute, Massachusetts Eye and Ear
Classification: Likely pathogenic for Retinitis pigmentosa 3. Last evaluated: 2021-04-08. Review status: criteria provided, single submitter. Criteria: ACMG Guidelines, 2015. Collection method: research. Allele origin: germline. Affected: yes.
Comment: Through a review of available evidence we were able to apply the following criteria: PVS1, PM2. Based on this evidence we have classified this variant as Likely Pathogenic.